The following is an entry in ClinVar:

ClinVar aggregate classification (germline): Pathogenic/Likely pathogenic. Review status: criteria provided, multiple submitters, no conflicts (2 of 4 stars). 6 submissions from 6 submitters: Pathogenic (5); Likely pathogenic (1). Last evaluated 2026-09-10.

Conditions:
Dilated cardiomyopathy 1G (CMD1G). Identifiers: Orphanet 154, MedGen C1858763, MONDO:0011400, OMIM 604145.
Autosomal recessive limb-girdle muscular dystrophy type 2J (LGMDR10). Also called: MUSCULAR DYSTROPHY, LIMB-GIRDLE, AUTOSOMAL RECESSIVE 10; Limb-girdle muscular dystrophy, type 2J. Identifiers: Orphanet 140922, MedGen C1837342, MONDO:0012127, OMIM 608807.
Primary familial dilated cardiomyopathy (FDC). Also called: Hypokinetic dilated cardiomyopathy, familial; Familial dilated cardiomyopathy. Identifiers: Orphanet 217607, MedGen C0340427, MONDO:0016333.
Cardiovascular phenotype. Identifiers: MedGen CN230736.
Cardiomyopathy (CMYO). Also called: Cardiomyopathies. Identifiers: Orphanet 167848, MedGen C0878544, MONDO:0004994, HP:0001638. Inheritance: Various modes of inheritance.

gnomAD v4.1: 4 of 1,612,302 alleles (0.00025%); highest among the groups gnomAD compares: Non-Finnish European, 0.00034%; no homozygotes.

Submissions (6):

Clinical Genetics Laboratory, Skane University Hospital Lund
Classification: Pathogenic for Cardiomyopathy. Last evaluated: 2026-09-10. Review status: criteria provided, single submitter. Criteria: ACMG Guidelines, 2015. Collection method: clinical testing. Allele origin: germline. Affected: yes.
Comment: ACMG criteria used: PVS1, PS4, PP1.

GeneDx
Classification: Likely pathogenic. Last evaluated: 2026-09-07. Review status: criteria provided, single submitter. Criteria: GeneDx Variant Classification Process June 2021. Collection method: clinical testing. Allele origin: germline.
Comment: Nonsense variant predicted to result in protein truncation or nonsense mediated decay in a gene for which loss of function is a known mechanism of disease; Located in the A-band, a region of TTN for which truncating variants are significantly associated with autosomal dominant cardiomyopathy and also with autosomal recessive skeletal myopathies (PMID: 22335739, 32778822); Reported in patients with dilated cardiomyopathy in published literature (PMID: 31983221, 33106378, 37652022, 37999665); Not observed at significant frequency in large population cohorts (gnomAD); This variant is associated with the following publications: (PMID: 31983221, 33106378, 27532257, 22335739, 32778822, 24575448, 37999665, 37652022)

Ambry Genetics
Classification: Pathogenic for Cardiovascular phenotype. Last evaluated: 2025-06-05. Review status: criteria provided, single submitter. Criteria: Ambry Variant Classification Scheme 2023. Collection method: clinical testing. Allele origin: germline.
Comment: The p.R6707* pathogenic mutation (also known as c.20119C>T), located in coding exon 80 of the TTN gene, results from a C to T substitution at nucleotide position 20119. This changes the amino acid from an arginine to a stop codon within coding exon 80. This exon is located in the A-band region of the N2-B isoform of the titin protein and is constitutively expressed in TTN transcripts (percent spliced in or PSI 100%). This variant was reported in individual(s) with features consistent with dilated cardiomyopathy (DCM) (Walsh R et al. Genet Med, 2017 Feb;19:192-203; Ambry internal data). This variant is considered to be rare based on population cohorts in the Genome Aggregation Database (gnomAD). This variant is expected to result in loss of function by premature protein truncation or nonsense-mediated mRNA decay. While truncating variants in TTN are present in 1-3% of the general population, truncating variants in the A-band are the most common cause of dilated cardiomyopathy (Herman DS et al. N. Engl. J. Med., 2012 Feb;366:619-28; Roberts AM et al. Sci Transl Med, 2015 Jan;7:270ra6). TTN truncating variants encoded in constitutive exons (PSI >90%) have been found to be significantly associated with DCM regardless of their position in titin (Schafer S et al. Nat. Genet., 2017 01;49:46-53; Akhtar MM et al. Circ Heart Fail, 2020 Oct;13:e006832; Massier M et al. Clin Genet, 2025 Jan). Based on the supporting evidence, this variant is interpreted as a disease-causing mutation.

Labcorp Genetics (formerly Invitae), Labcorp
Classification: Pathogenic for Dilated cardiomyopathy 1G; Autosomal recessive limb-girdle muscular dystrophy type 2J. Last evaluated: 2024-05-27. Review status: criteria provided, single submitter. Criteria: Invitae Variant Classification Sherloc (09022015). Collection method: clinical testing. Allele origin: germline.
Comment: This sequence change creates a premature translational stop signal (p.Arg15772*) in the TTN gene. While this is not anticipated to result in nonsense mediated decay, it is expected to create a truncated TTN protein. This variant is not present in population databases (gnomAD no frequency). This premature translational stop signal has been observed in individuals with autosomal dominant dilated cardiomyopathy (PMID: 27532257, 33106378; Invitae). ClinVar contains an entry for this variant (Variation ID: 1065903). This variant is located in the A band of TTN (PMID: 25589632). Truncating variants in this region are significantly overrepresented in patients affected with dilated cardiomyopathy (PMID: 25589632). Truncating variants in this region have also been reported in individuals affected with autosomal recessive centronuclear myopathy (PMID: 23975875). For these reasons, this variant has been classified as Pathogenic.

Women's Health and Genetics/Laboratory Corporation of America, LabCorp
Classification: Pathogenic for Primary familial dilated cardiomyopathy. Last evaluated: 2023-08-09. Review status: criteria provided, single submitter. Criteria: LabCorp Variant Classification Summary - May 2015. Collection method: clinical testing. Allele origin: germline.
Comment: Variant summary: TTN c.39610C>T (p.Arg13204X) results in a premature termination codon, predicted to cause a truncation of the encoded protein or absence of the protein due to nonsense mediated decay, which is a commonly known mechanism for disease. Nonsense, frameshift, and canonical splice-site variants in TTN are strongly associated with DCM when they affect exons encoding for the A-band region (PMIDs: 22335739, 24503780) and/or exons constitutively expressed (proportion spliced in [PSI]>0.9) in the primary cardiac isoforms (PMIDs: 25589632, 31216868, 32964742, 27869827), which is the case forthis variant (I band with a PSI score of 100%). The variant was absent in 247508 control chromosomes (gnomAD). c.39610C>T has been reported in the literature in individuals affected with Dilated Cardiomyopathy (Vissing_2021). These data indicate that the variant is likely to be associated with disease. The following publication has been ascertained in the context of this evaluation (PMID: 33106378). Two submitters have cited clinical-significance assessments for this variant to ClinVar after 2014. Both submitters classified the variant as likely pathogenic. Based on the evidence outlined above, the variant was classified as pathogenic.

Juno Genomics, Hangzhou Juno Genomics, Inc
Classification: Pathogenic for Dilated cardiomyopathy 1G. Review status: criteria provided, single submitter. Criteria: ACMG Guidelines, 2015. Collection method: clinical testing. Allele origin: germline. Affected: yes.
Comment: Absent from controls (or at extremely low frequency if recessive) in Genome Aggregation Database, Exome Sequencing Project, 1000 Genomes Project, or Exome Aggregation Consortium.;Null variant in a gene where loss of function (LOF) is a known mechanism of disease.;The prevalence of the variant in affected individuals is significantly increased compared to the prevalence in controls.

Literature cited by the submitters: PubMed 27532257 (cited by Ambry Genetics and Labcorp Genetics (formerly Invitae), Labcorp); PubMed 33106378 (cited by Labcorp Genetics (formerly Invitae), Labcorp and Women's Health and Genetics/Laboratory Corporation of America, LabCorp); PubMed 25589632 (cited by Labcorp Genetics (formerly Invitae), Labcorp); PubMed 23975875 (cited by Labcorp Genetics (formerly Invitae), Labcorp).

NM_001267550.2(TTN):c.47314C>T (p.Arg15772Ter)

Genes: TTN (titin; minus strand), TTN-AS1 (TTN antisense RNA 1; plus strand). Cytogenetic location: 2q31.2.
Variant type: single nucleotide variant.
Coding change: c.47314C>T on transcript NM_001267550.2 (MANE Select); coding-DNA position 47314, C replaced by T.
Protein change: p.Arg15772Ter; replaces arginine 15772 with a stop codon.
Molecular consequence: nonsense.
Genome position (GRCh38, 1-based): chr2:178,618,037, G>A on the plus strand (C>T on the coding strand, the complement: TTN is on the minus strand). VCF-style: chr2-178618037-G-A. GRCh37 (hg19) VCF-style: chr2-179482764-G-A.
Other names: c.42391C>T, p.Arg14131Ter (NM_001256850.1); c.20119C>T, p.Arg6707Ter (NM_003319.4); c.39610C>T, p.Arg13204Ter (NM_133378.4); c.20494C>T, p.Arg6832Ter (NM_133432.3); c.20695C>T, p.Arg6899Ter (NM_133437.4); short protein forms R13204*, R14131*, R15772*, R6707*, R6832*, R6899*.
Identifiers: ClinVar variation 1065903 (VCV001065903.14), dbSNP rs2154209202, ClinGen allele CA349618035.